The following is an entry in ClinVar:

NM_001278116.2(L1CAM):c.2872+3G>A

Gene: L1CAM (L1 cell adhesion molecule; minus strand). Cytogenetic location: Xq28.
Variant type: single nucleotide variant.
Coding change: c.2872+3G>A on transcript NM_001278116.2 (MANE Select); 3 bases into the intron after coding-DNA position 2872, G replaced by A.
Molecular consequence: intron variant.
Genome position (GRCh38, 1-based): chrX:153,865,085, C>T on the plus strand (G>A on the coding strand, the complement: L1CAM is on the minus strand). VCF-style: chrX-153865085-C-T. GRCh37 (hg19) VCF-style: chrX-153130540-C-T.
Other names: c.2857+3G>A (NM_001143963.2); c.2872+3G>A (NM_024003.3, NM_000425.5).
Identifiers: ClinVar variation 1963392 (VCV001963392.3), dbSNP rs950213549, ClinGen allele CA337259910.

ClinVar aggregate classification (germline): Uncertain significance (1 of 4 stars; one submission).

Conditions:
Spastic paraplegia. Identifiers: MedGen C0037772, HP:0001258.

Allele frequency attached by ClinVar (database versions not stated): gnomAD exomes below 0.00001; TOPMed 0.00004.
gnomAD v4.1: 4 of 1,210,021 alleles (0.00033%); highest among the groups gnomAD compares: Admixed American, 0.0022%; no homozygotes.

Submission:

Labcorp Genetics (formerly Invitae), Labcorp
Classification: Uncertain significance for Spastic paraplegia. Last evaluated: 2024-01-22. Review status: criteria provided, single submitter. Criteria: Invitae Variant Classification Sherloc (09022015). Collection method: clinical testing. Allele origin: germline.
Comment: This sequence change falls in intron 21 of the L1CAM gene. It does not directly change the encoded amino acid sequence of the L1CAM protein. It affects a nucleotide within the consensus splice site. This variant is not present in population databases (gnomAD no frequency). This variant has not been reported in the literature in individuals affected with L1CAM-related conditions. ClinVar contains an entry for this variant (Variation ID: 1963392). Variants that disrupt the consensus splice site are a relatively common cause of aberrant splicing (PMID: 17576681, 9536098). Algorithms developed to predict the effect of sequence changes on RNA splicing suggest that this variant is not likely to affect RNA splicing. In summary, the available evidence is currently insufficient to determine the role of this variant in disease. Therefore, it has been classified as a Variant of Uncertain Significance.

Literature cited by the submitters: PubMed 17576681; PubMed 9536098.